The following is an entry in ClinVar:

NM_003060.4(SLC22A5):c.-130C>T

Genes: MIR3936HG (MIR3936 host gene; minus strand), SLC22A5 (solute carrier family 22 member 5; plus strand), LOC129994569 (ATAC-STARR-seq lymphoblastoid silent region 16317; plus strand). Cytogenetic location: 5q31.1.
Variant type: single nucleotide variant.
Coding change: c.-130C>T on transcript NM_003060.4 (MANE Select); 130 bases upstream of the start codon, C replaced by T.
Molecular consequence: 5 prime UTR variant.
Genome position (GRCh38, 1-based): chr5:132,369,843, C>T. VCF-style: chr5-132369843-C-T. GRCh37 (hg19) VCF-style: chr5-131705535-C-T.
Other names: c.-130C>T (NM_001308122.2).
Identifiers: ClinVar variation 5003790 (VCV005003790.1).
Genomic context (GRCh38, chr5:132,369,843, plus strand): 5'-GCGCCCTATGTAAGGCCAGCCGCGGCAGGACCAAGGCGGCGGTGTCAGCTCGCGAGCCTA[C>T]CCTCCGCGGACGGTCTTGGGTCGCCTGCTGCCTGGCTTGCCTGGTCGGCGGCGGGTGCCC-3'

ClinVar aggregate classification (germline): Uncertain significance (1 of 4 stars; one submission).

Conditions:
Renal carnitine transport defect (CDSP). Also called: Primary carnitine deficiency; Systemic primary carnitine deficiency disease; CARNITINE DEFICIENCY, SYSTEMIC, DUE TO DEFECT IN RENAL REABSORPTION OF CARNITINE; CARNITINE TRANSPORTER, PLASMA-MEMBRANE, DEFICIENCY OF; CARNITINE UPTAKE DEFECT; Systemic primary carnitine deficiency. Identifiers: Orphanet 158, MedGen C0342788, MONDO:0008919, OMIM 212140.

Submission:

Myriad Genetics, Inc.
Classification: Uncertain significance for Renal carnitine transport defect. Last evaluated: 2026-02-23. Review status: criteria provided, single submitter. Criteria: Myriad Autosomal Dominant, Autosomal Recessive and X-Linked Classification Criteria (2023). Collection method: clinical testing. Allele origin: unknown.
Comment: NM_003060.3(SLC22A5):c.-130C>T is a 5' non-coding variant classified as a variant of uncertain significance in the context of primary carnitine deficiency. c.-130C>T has not been observed in cases with relevant disease. Relevant functional assessments of this variant are not available in the literature. c.-130C>T has not been observed in referenced population frequency databases. In summary, there is insufficient evidence to classify NM_003060.3(SLC22A5):c.-130C>T as pathogenic or benign. Please note: this variant was assessed in the context of healthy population screening.